The following is an entry in ClinVar:

NM_001130438.3(SPTAN1):c.1064C>T (p.Ala355Val)

Gene: SPTAN1 (spectrin alpha, non-erythrocytic 1; plus strand). Cytogenetic location: 9q34.11.
Variant type: single nucleotide variant.
Coding change: c.1064C>T on transcript NM_001130438.3 (MANE Select); coding-DNA position 1064, C replaced by T.
Protein change: p.Ala355Val; replaces alanine 355 with valine.
Molecular consequence: missense variant.
Genome position (GRCh38, 1-based): chr9:128,577,485, C>T. VCF-style: chr9-128577485-C-T. GRCh37 (hg19) VCF-style: chr9-131339764-C-T.
Other names: c.1064C>T, p.Ala355Val (NM_001195532.2, NM_001363759.2, NM_001363765.2 and 5 more transcripts); c.1100C>T, p.Ala367Val (NM_001375312.2, NM_001375318.1); short protein forms A355V, A367V.
Identifiers: ClinVar variation 945814 (VCV000945814.10), dbSNP rs1851436689, ClinGen allele CA375049953.
Genomic context (GRCh38, chr9:128,577,485, plus strand): 5'-AGCGAGAGGAACTGATTACAAACTGGGAGCAGATCCGCACCTTGGCGGCAGAGAGACATG[C>T]ACGGCTCAATGATTCATACAGGTGCAAATAATGCTCCAGGTCTTAACCAGTATCATTTGG-3'
Protein context (NP_001123910.1, residues 345-365): QIRTLAAERH[Ala355Val]RLNDSYRLQR

ClinVar aggregate classification (germline): Uncertain significance (1 of 4 stars; one submission).

Conditions:
Early-infantile DEE. Also called: Early infantile epileptic encephalopathy; Ohtahara syndrome; Early infantile epileptic encephalopathy with suppression bursts. Identifiers: Orphanet 1934, MedGen C0393706, MONDO:0800491.

Submission:

Labcorp Genetics (formerly Invitae), Labcorp
Classification: Uncertain significance for Early-infantile DEE. Last evaluated: 2023-09-05. Review status: criteria provided, single submitter. Criteria: Invitae Variant Classification Sherloc (09022015). Collection method: clinical testing. Allele origin: germline.
Comment: In summary, the available evidence is currently insufficient to determine the role of this variant in disease. Therefore, it has been classified as a Variant of Uncertain Significance. Algorithms developed to predict the effect of sequence changes on RNA splicing suggest that this variant may create or strengthen a splice site. Advanced modeling of protein sequence and biophysical properties (such as structural, functional, and spatial information, amino acid conservation, physicochemical variation, residue mobility, and thermodynamic stability) has been performed at Invitae for this missense variant, however the output from this modeling did not meet the statistical confidence thresholds required to predict the impact of this variant on SPTAN1 protein function. ClinVar contains an entry for this variant (Variation ID: 945814). This variant has not been reported in the literature in individuals affected with SPTAN1-related conditions. This variant is not present in population databases (gnomAD no frequency). This sequence change replaces alanine, which is neutral and non-polar, with valine, which is neutral and non-polar, at codon 355 of the SPTAN1 protein (p.Ala355Val).